The following is an entry in ClinVar:

ClinVar aggregate classification (germline): Pathogenic/Likely pathogenic. Review status: criteria provided, multiple submitters, no conflicts (2 of 4 stars). 2 submissions from 2 submitters: Pathogenic (1); Likely pathogenic (1). Last evaluated 2021-04-21.

Conditions:
Cardiovascular phenotype. Identifiers: MedGen CN230736.

Submissions (3):

Molecular Diagnostic Laboratory for Inherited Cardiovascular Disease, Montreal Heart Institute
Classification: Likely pathogenic for Cardiovascular phenotype. Last evaluated: 2021-04-21. Review status: criteria provided, single submitter. Criteria: ACMG Guidelines, 2015. Collection method: clinical testing. Allele origin: germline. Affected: yes.

GeneDx
Classification: Pathogenic. Last evaluated: 2018-02-08. Review status: criteria provided, single submitter. Criteria: GeneDx Variant Classification (06012015). Collection method: clinical testing. Allele origin: germline. Affected: yes.
Comment: The c.5672-1G>C variant in the FBN1 gene has not been reported previously as a pathogenic variant nor as a benign variant, to our knowledge. This splice site variant destroys the canonical splice acceptor site in intron 46. It is predicted to cause abnormal gene splicing, either leading to an abnormal message that is subject to nonsense-mediated mRNA decay, or to an abnormal protein product if the message is used for protein translation. The c.5672-1G>C variant is not observed in large population cohorts (Lek et al., 2016). We interpret c.5672-1G>C as a pathogenic variant.

Dr. Peter K. Rogan Lab, Western University
No classification provided (evidence only). Condition: Squamous cell lung carcinoma. Review status: no classification provided. Collection method: in vitro. Allele origin: not applicable. Functional consequence: skipped exon, retained intron. Not counted in ClinVar's aggregate classification.

NM_000138.5(FBN1):c.5672-1G>C

Gene: FBN1 (fibrillin 1; minus strand). Cytogenetic location: 15q21.1.
Variant type: single nucleotide variant.
Coding change: c.5672-1G>C on transcript NM_000138.5 (MANE Select); the canonical splice acceptor site of the intron before coding-DNA position 5672, G replaced by C.
Molecular consequence: splice acceptor variant.
Genome position (GRCh38, 1-based): chr15:48,446,823, C>G on the plus strand (G>C on the coding strand, the complement: FBN1 is on the minus strand). VCF-style: chr15-48446823-C-G. GRCh37 (hg19) VCF-style: chr15-48739020-C-G.
Other names: NC_000015.9:g.48739020C>G; c.5672-1G>C (NM_001406716.1).
Identifiers: ClinVar variation 504315 (VCV000504315.4), dbSNP rs1555395849, ClinGen allele CA392341462.